The following is an entry in ClinVar:

ClinVar aggregate classification (germline): Uncertain significance (1 of 4 stars; one submission).

Allele frequency attached by ClinVar (database versions not stated): ExAC 0.00001; gnomAD exomes 0.00001 and 0.00002; TOPMed 0.00001; gnomAD 0.00002; ESP Exome Variant Server 0.00015.
gnomAD v4.1: 25 of 1,613,634 alleles (0.0015%); highest among the groups gnomAD compares: East Asian, 0.0022%; no homozygotes.

Submission:

Labcorp Genetics (formerly Invitae), Labcorp
Classification: Uncertain significance. Last evaluated: 2025-12-13. Review status: criteria provided, single submitter. Criteria: Invitae Variant Classification Sherloc (09022015). Collection method: clinical testing. Allele origin: germline.
Comment: This sequence change replaces arginine, which is basic and polar, with histidine, which is basic and polar, at codon 578 of the CLTC protein (p.Arg578His). This variant is present in population databases (rs146137742, gnomAD 0.003%). This variant has not been reported in the literature in individuals affected with CLTC-related conditions. ClinVar contains an entry for this variant (Variation ID: 1440399). Invitae Evidence Modeling of protein sequence and biophysical properties (such as structural, functional, and spatial information, amino acid conservation, physicochemical variation, residue mobility, and thermodynamic stability) has been performed for this missense variant. However, the output from this modeling did not meet the statistical confidence thresholds required to predict the impact of this variant on CLTC protein function. In summary, the available evidence is currently insufficient to determine the role of this variant in disease. Therefore, it has been classified as a Variant of Uncertain Significance.

NM_004859.4(CLTC):c.1721G>A (p.Arg574His)

Gene: CLTC (clathrin heavy chain; plus strand). Cytogenetic location: 17q23.1.
Variant type: single nucleotide variant.
Coding change: c.1721G>A on transcript NM_004859.4 (MANE Select); coding-DNA position 1721, G replaced by A.
Protein change: p.Arg574His; replaces arginine 574 with histidine.
Molecular consequence: missense variant.
Genome position (GRCh38, 1-based): chr17:59,666,179, G>A. VCF-style: chr17-59666179-G-A. GRCh37 (hg19) VCF-style: chr17-57743540-G-A.
Other names: c.1733G>A, p.Arg578His (NM_001288653.2); short protein forms R578H, R574H.
Identifiers: ClinVar variation 1440399 (VCV001440399.6), dbSNP rs146137742, ClinGen allele CA8681277.
Genomic context (GRCh38, chr17:59,666,179, plus strand): 5'-TGGAATACAATCTAATTCAGCAGTGTACTGCATTCTTGCTTGATGCTCTGAAGAATAATC[G>A]CCCATCTGAAGGTCCTTTACAGACGCGGTTACTTGAGATGAACCTTATGCATGCGCCTCA-3'
Protein context (NP_004850.1, residues 564-584): AFLLDALKNN[Arg574His]PSEGPLQTRL